The following is an entry in ClinVar:

ClinVar aggregate classification (germline): Uncertain significance. Review status: criteria provided, multiple submitters, no conflicts (2 of 4 stars). 2 submissions from 2 submitters: Uncertain significance (2). Last evaluated 2025-12-11.

Conditions:
Inborn genetic diseases. Identifiers: MedGen C0950123, MeSH D030342.

Allele frequency attached by ClinVar (database versions not stated): ExAC 0.00003; gnomAD exomes 0.00003 and 0.00009; gnomAD 0.00007.
gnomAD v4.1: 49 of 1,612,324 alleles (0.003%); highest among the groups gnomAD compares: Non-Finnish European, 0.00051%; no homozygotes.

Submissions (2):

Ambry Genetics
Classification: Uncertain significance for Inborn genetic diseases. Last evaluated: 2025-12-11. Review status: criteria provided, single submitter. Criteria: Ambry Variant Classification Scheme 2023. Collection method: clinical testing. Allele origin: germline.

Labcorp Genetics (formerly Invitae), Labcorp
Classification: Uncertain significance. Last evaluated: 2021-09-14. Review status: criteria provided, single submitter. Criteria: Invitae Variant Classification Sherloc (09022015). Collection method: clinical testing. Allele origin: germline.
Comment: This sequence change replaces leucine with isoleucine at codon 998 of the INTS1 protein (p.Leu998Ile). The leucine residue is moderately conserved and there is a small physicochemical difference between leucine and isoleucine. This variant is present in population databases (rs745365894, ExAC 0.03%). This variant has not been reported in the literature in individuals affected with INTS1-related conditions. Algorithms developed to predict the effect of missense changes on protein structure and function are either unavailable or do not agree on the potential impact of this missense change (SIFT: "Tolerated"; PolyPhen-2: "Possibly Damaging"; Align-GVGD: "Class C0"). Algorithms developed to predict the effect of sequence changes on RNA splicing suggest that this variant may create or strengthen a splice site. In summary, the available evidence is currently insufficient to determine the role of this variant in disease. Therefore, it has been classified as a Variant of Uncertain Significance.

NM_001080453.3(INTS1):c.2992C>A (p.Leu998Ile)

Gene: INTS1 (integrator complex subunit 1; minus strand). Cytogenetic location: 7p22.3.
Variant type: single nucleotide variant.
Coding change: c.2992C>A on transcript NM_001080453.3 (MANE Select); coding-DNA position 2992, C replaced by A.
Protein change: p.Leu998Ile; replaces leucine 998 with isoleucine.
Molecular consequence: missense variant.
Genome position (GRCh38, 1-based): chr7:1,485,454, G>T on the plus strand (C>A on the coding strand, the complement: INTS1 is on the minus strand). VCF-style: chr7-1485454-G-T. GRCh37 (hg19) VCF-style: chr7-1525090-G-T.
Other names: c.2992C>A (NM_001080453.2); short protein forms L998I.
Identifiers: ClinVar variation 1474696 (VCV001474696.7), dbSNP rs745365894, ClinGen allele CA4119513.